The following is an entry in ClinVar:

NM_000541.5(SAG):c.310C>A (p.Pro104Thr)

Gene: SAG (S-antigen visual arrestin; plus strand). Cytogenetic location: 2q37.1.
Variant type: single nucleotide variant.
Coding change: c.310C>A on transcript NM_000541.5 (MANE Select); coding-DNA position 310, C replaced by A.
Protein change: p.Pro104Thr; replaces proline 104 with threonine.
Molecular consequence: missense variant.
Genome position (GRCh38, 1-based): chr2:233,320,758, C>A. VCF-style: chr2-233320758-C-A. GRCh37 (hg19) VCF-style: chr2-234229404-C-A.
Other names: short protein forms P104T.
Identifiers: ClinVar variation 1345881 (VCV001345881.3), dbSNP rs773862673, ClinGen allele CA351046519.

ClinVar aggregate classification (germline): Uncertain significance (1 of 4 stars; one submission).

Submission:

Labcorp Genetics (formerly Invitae), Labcorp
Classification: Uncertain significance. Last evaluated: 2022-06-16. Review status: criteria provided, single submitter. Criteria: Invitae Variant Classification Sherloc (09022015). Collection method: clinical testing. Allele origin: germline.
Comment: This sequence change replaces proline, which is neutral and non-polar, with threonine, which is neutral and polar, at codon 104 of the SAG protein (p.Pro104Thr). This variant is not present in population databases (gnomAD no frequency). This variant has not been reported in the literature in individuals affected with SAG-related conditions. Algorithms developed to predict the effect of missense changes on protein structure and function output the following: SIFT: "Tolerated"; PolyPhen-2: "Benign"; Align-GVGD: "Class C0". The threonine amino acid residue is found in multiple mammalian species, which suggests that this missense change does not adversely affect protein function. In summary, the available evidence is currently insufficient to determine the role of this variant in disease. Therefore, it has been classified as a Variant of Uncertain Significance.